The following is an entry in ClinVar:

ClinVar aggregate classification (germline): Pathogenic. Review status: criteria provided, multiple submitters, no conflicts (2 of 4 stars). 2 submissions from 2 submitters: Pathogenic (2). Last evaluated 2026-05-04.

Conditions:
Inborn genetic diseases. Identifiers: MedGen C0950123, MeSH D030342.
NR2F1-related disorder. Also called: NR2F1-related condition.

Submissions (2):

Ambry Genetics
Classification: Pathogenic for Inborn genetic diseases. Last evaluated: 2026-05-04. Review status: criteria provided, single submitter. Criteria: Ambry Variant Classification Scheme 2023. Collection method: clinical testing. Allele origin: germline.
Comment: The c.328_330delTTC (p.F110del) alteration is located in exon 1 (coding exon 1) of the NR2F1 gene. This alteration consists of an in-frame deletion of 3 nucleotides between nucleotide positions c.328 and c.330, resulting in the deletion of 1 residue. This variant was not reported in population-based cohorts in the Genome Aggregation Database (gnomAD). This variant was determined to be de novo in at least one individual with features consistent with Bosch-Boonstra-Schaaf optic atrophy syndrome (Dimassi, 2015; Kaiwar, 2017). This amino acid position is highly conserved in available vertebrate species. This variant is predicted to be deleterious by in silico analysis (Choi, 2012). Based on the available evidence, this alteration is classified as pathogenic.

Blueprint Genetics
Classification: Pathogenic for NR2F1-related disorders. Last evaluated: 2022-07-11. Review status: criteria provided, single submitter. Criteria: ACMG Guidelines, 2015. Collection method: clinical testing. Allele origin: de novo. Affected: yes. Observed: 2 variant alleles.

Literature cited by the submitters: PubMed 26138355 (cited by Ambry Genetics); PubMed 28963436 (cited by Ambry Genetics).

NM_005654.6(NR2F1):c.325TTC[1] (p.Phe110del)

Genes: NR2F1 (nuclear receptor subfamily 2 group F member 1; plus strand), NR2F1-AS1 (NR2F1 regulatory antisense RNA 1; minus strand). Cytogenetic location: 5q15.
Variant type: Microsatellite.
Coding change: c.325TTC[1] on transcript NM_005654.6 (MANE Select); one copy of the 3-base unit TTC starting at c.325; the reference has two copies in a row; one copy, 3 bases deleted.
Protein change: p.Phe110del; deletes phenylalanine 110.
Molecular consequence: inframe deletion. On other transcripts: non-coding transcript variant (4).
Genome position (GRCh38, 1-based): chr5:93,585,351-93,585,353, TTC deleted; deleting any 3 consecutive bases within chr5:93,585,348-93,585,353 gives the same sequence; the position shown is the placement nearest the transcript's 3' end. VCF-style (leftmost placement, unchanged base first): chr5-93585347-TTTC-T. GRCh37 (hg19) VCF-style: chr5-92921053-TTTC-T.
Other names: short protein forms F110del.
Identifiers: ClinVar variation 4861167 (VCV004861167.2).